The following is an entry in ClinVar:

ClinVar aggregate classification (germline): Pathogenic. Review status: criteria provided, multiple submitters, no conflicts (2 of 4 stars). 4 submissions from 4 submitters: Pathogenic (2). 2 of the submissions do not count toward it. Last evaluated 2025-01-23.

Conditions:
Aniridia 1 (AN1). Identifiers: Orphanet 250923, MedGen C0344542, MONDO:0024507, OMIM 106210.

Submissions (4):

3billion
Classification: Pathogenic for Aniridia 1. Last evaluated: 2025-01-23. Review status: criteria provided, single submitter. Criteria: ACMG Guidelines, 2015. Collection method: clinical testing. Allele origin: germline. Affected: yes.
Comment: The variant is not observed in the gnomAD v4.1.0 dataset. Predicted Consequence/Location: Frameshift: predicted to result in a loss or disruption of normal protein function through nonsense-mediated decay (NMD) or protein truncation. Multiple pathogenic variants are reported downstream of the variant. The variant has been reported at least twice as pathogenic without evidence for the classification (ClinVar ID: VCV000372439 /PMID: 27081561). Therefore, this variant is classified as Pathogenic according to the recommendation of ACMG/AMP guideline.

GeneDx
Classification: Pathogenic. Last evaluated: 2015-10-28. Review status: criteria provided, single submitter. Criteria: GeneDx Variant Classification (06012015). Collection method: clinical testing. Allele origin: germline. Affected: yes.
Comment: The c.109dupG pathogenic variant in the PAX6 gene causes a frameshift starting with codon Alanine 37, changes this amino acid to a Glycine residue and creates a premature Stop codon at position 19 of the new reading frame, denoted p.Ala37GlyfsX19. This pathogenic variant is predicted to cause loss of normal protein function either through protein truncation or nonsense-mediated mRNA decay. The c.109dupG pathogenic variant was not observed in approximately 6,500 individuals of European and African American ancestry in the NHLBI Exome Sequencing Project, indicating it is not a common benign variant in these populations. Although this variant has not been previously reported to our knowledge, we interpret it as pathogenic.

Wessex Regional Genetics Laboratory, Salisbury District Hospital
Classification: Pathogenic for Aniridia 1. Last evaluated: 2019-08-15. Review status: no assertion criteria provided. Criteria: ACMG Guidelines, 2015. Collection method: clinical testing. Allele origin: inherited. Inheritance: Autosomal dominant inheritance. Affected: yes. Not counted in ClinVar's aggregate classification.

Laboratory of Genetic Epidemiology, Research Centre for Medical Genetics
Classification: Pathogenic for Aniridia 1. Review status: no assertion criteria provided. Collection method: research. Allele origin: de novo. Inheritance: Autosomal dominant inheritance. Affected: yes. Observed: 1 heterozygote. Not counted in ClinVar's aggregate classification.

Literature cited by the submitters: PubMed 27081561 (cited by 3billion); PubMed 28321846 (cited by Laboratory of Genetic Epidemiology, Research Centre for Medical Genetics).

NM_001368894.2(PAX6):c.109dup (p.Ala37fs)

Gene: PAX6 (paired box 6; minus strand). Cytogenetic location: 11p13.
Variant type: Duplication.
Coding change: c.109dup on transcript NM_001368894.2 (MANE Select); coding-DNA position 109, one base duplicated (G; older notation c.109dupG).
Protein change: p.Ala37fs; shifts the reading frame from alanine 37.
Molecular consequence: frameshift variant. On other transcripts: 5 prime UTR variant (12), non-coding transcript variant (2), intron variant (2).
Genome position (GRCh38, 1-based): chr11:31,802,736, C duplicated on the plus strand (G on the coding strand, the reverse complement: PAX6 is on the minus strand); the first of 4 consecutive C bases (chr11:31,802,736-31,802,739); duplicating any one gives the same sequence. VCF-style (leftmost placement, unchanged base first): chr11-31802735-G-GC. GRCh37 (hg19) VCF-style: chr11-31824283-G-GC.
Other names: c.109dup, p.Ala37fs (NM_000280.6, NM_001127612.3, NM_001258462.3 and 30 more transcripts); c.-673dup (NM_001310160.2, NM_001368905.2); c.-342dup (NM_001310161.3, NM_001368929.2, NM_001368900.2 and 2 more transcripts); c.109dupG (NM_000280.3, NM_000280.4); c.-300dup (NM_001368899.2, NM_001368901.2, NM_001368906.2 and 1 more transcripts); c.-631dup (NM_001368902.2); c.352dup, p.Ala118fs (NM_001368910.2); c.112dup, p.Ala38fs (NM_001368911.2); and 1 more; short protein forms A118fs, A37fs, A38fs.
Identifiers: ClinVar variation 372439 (VCV000372439.6), dbSNP rs1057517780, ClinGen allele CA16042826.